The following is an entry in ClinVar:

NM_004006.3(DMD):c.10262+1G>A

Gene: DMD (dystrophin; minus strand). Cytogenetic location: Xp21.2.
Variant type: single nucleotide variant.
Coding change: c.10262+1G>A on transcript NM_004006.3 (MANE Select); the canonical splice donor site of the intron after coding-DNA position 10262, G replaced by A.
Molecular consequence: splice donor variant. On other transcripts: intron variant (5).
Genome position (GRCh38, 1-based): chrX:31,177,931, C>T on the plus strand (G>A on the coding strand, the complement: DMD is on the minus strand). VCF-style: chrX-31177931-C-T. GRCh37 (hg19) VCF-style: chrX-31196048-C-T.
Other names: c.10238+1G>A (NM_000109.4); c.6239+1G>A (NM_004011.4); c.6230+1G>A (NM_004012.4); c.2843+738G>A (NM_004023.3, NM_004020.4, NM_004022.3); c.2882+1G>A (NM_004021.3, NM_004013.3); c.2075+1G>A (NM_004014.3); c.1019+738G>A (NM_004018.3, NM_004017.3); c.1058+1G>A (NM_004016.3, NM_004015.3); and 2 more.
Identifiers: ClinVar variation 94433 (VCV000094433.35), dbSNP rs145603325, ClinGen allele CA222274.

ClinVar aggregate classification (germline): Conflicting classifications of pathogenicity. Review status: criteria provided, conflicting classifications (1 of 4 stars). 12 submissions from 12 submitters: Uncertain significance (2); Benign (4); Likely benign (6). Last evaluated 2026-07-01.

Conditions:
DMD-related disorder. Also called: DMD-related condition.
Cardiovascular phenotype. Identifiers: MedGen CN230736.
Dilated cardiomyopathy 3B (CMD3B). Also called: CMD3B: DMD-Related Dilated Cardiomyopathy; CARDIOMYOPATHY, DILATED, X-LINKED; DMD-Associated Dilated Cardiomyopathy. Identifiers: Orphanet 154, MedGen C3668940, MONDO:0010542, OMIM 302045.
Duchenne muscular dystrophy (DMD). Also called: MUSCULAR DYSTROPHY, PSEUDOHYPERTROPHIC PROGRESSIVE, DUCHENNE TYPE; Duchenne Muscular Dystrophy (DMD). Identifiers: Orphanet 98896, MedGen C0013264, MONDO:0010679, OMIM 310200.

Allele frequency attached by ClinVar (database versions not stated): gnomAD exomes 0.00008 and 0.00024; 1000 Genomes Project 30x 0.00021; 1000 Genomes Project 0.00026; ExAC 0.00027; ESP Exome Variant Server 0.00057; gnomAD 0.00062 and 0.00069; TOPMed 0.00108.
gnomAD v4.1: 168 of 1,204,431 alleles (0.014%); highest among the groups gnomAD compares: African/African-American, 0.19%; no homozygotes.

Submissions (12):

CeGaT Center for Human Genetics Tuebingen
Classification: Likely benign. Last evaluated: 2026-07-01. Review status: criteria provided, single submitter. Criteria: CeGaT Center For Human Genetics Tuebingen Variant Classification Criteria Version 2. Collection method: clinical testing. Allele origin: germline. Affected: yes. Observed: 1 variant allele.
Comment: DMD: BS2

Labcorp Genetics (formerly Invitae), Labcorp
Classification: Benign for Duchenne muscular dystrophy. Last evaluated: 2026-01-31. Review status: criteria provided, single submitter. Criteria: Invitae Variant Classification Sherloc (09022015). Collection method: clinical testing. Allele origin: germline.

PreventionGenetics, part of Exact Sciences
Classification: Likely benign for DMD-related condition. Last evaluated: 2025-10-08. Review status: criteria provided, single submitter. Criteria: ACMG Guidelines, 2015. Collection method: clinical testing. Allele origin: germline.
Comment: This variant is classified as likely benign based on ACMG/AMP sequence variant interpretation guidelines (Richards et al. 2015 PMID: 25741868, with internal and published modifications).

Molecular Diagnostic Laboratory for Inherited Cardiovascular Disease, Montreal Heart Institute
Classification: Likely benign. Last evaluated: 2025-04-09. Review status: criteria provided, single submitter. Criteria: ACMG Guidelines, 2015. Collection method: clinical testing. Allele origin: germline. Affected: no.

Blueprint Genetics
Classification: Likely benign. Last evaluated: 2023-11-16. Review status: criteria provided, single submitter. Criteria: ACMG Guidelines, 2015. Collection method: clinical testing. Allele origin: germline.

Women's Health and Genetics/Laboratory Corporation of America, LabCorp
Classification: Benign. Last evaluated: 2022-02-09. Review status: criteria provided, single submitter. Criteria: LabCorp Variant Classification Summary - May 2015. Collection method: clinical testing. Allele origin: germline.
Comment: Variant summary: DMD c.10262+1G>A is located in a canonical splice-site and is predicted to affect mRNA splicing resulting in a significantly altered protein due to either exon skipping, shortening, or inclusion of intronic material. Several computational tools predict a significant impact on normal splicing: Three predict the variant abolishes a 5 splicing donor site. However, these predictions have yet to be confirmed by functional studies. The variant allele was found at a frequency of 0.00024 in 179061 control chromosomes (including 9 hemizygotes), predominantly at a frequency of 0.0017 within the African or African-American subpopulation in the gnomAD database. The observed variant frequency within African or African-American control individuals in the gnomAD database is approximately 154-fold of the estimated maximal expected allele frequency for a pathogenic variant in DMD causing Dystrophinopathies phenotype (1.1e-05), strongly suggesting that the variant is a benign polymorphism found primarily in populations of African or African-American origin. c.10262+1G>A has been reported in the literature in male individuals affected with dystrophinopathies, autism spectrum disorder and atrial fibrillation and also, in women with sudden death and peripartum cardiomyopathy (Lim_2013, Kim_2016, Ware_2016, Scheiper_2018, Vad_2020). These reports do not provide unequivocal conclusions about association of the variant with Dystrophinopathies. To our knowledge, no experimental evidence demonstrating an impact on protein function has been reported. Five ClinVar submitters (evaluation after 2014) cite the variant as benign/likely benign and three ClinVar submitters (evaluation after 2014) cite it as uncertain significance. Based on the evidence outlined above, the variant was classified as benign.

GeneDx
Classification: Benign. Last evaluated: 2021-05-05. Review status: criteria provided, single submitter. Criteria: GeneDx Variant Classification Process June 2021. Collection method: clinical testing. Allele origin: germline. Affected: yes.
Comment: This variant is associated with the following publications: (PMID: 30415094, 23871722, 23352160, 26743743, 26990548, 32013268, 30275481)

Athena Diagnostics
Classification: Benign. Last evaluated: 2019-06-27. Review status: criteria provided, single submitter. Criteria: Athena Diagnostics Criteria. Collection method: clinical testing. Allele origin: germline.

Mendelics
Classification: Likely benign for Duchenne muscular dystrophy. Last evaluated: 2019-05-28. Review status: criteria provided, single submitter. Criteria: Mendelics Assertion Criteria 2017. Collection method: clinical testing. Allele origin: unknown.

Ambry Genetics
Classification: Likely benign for Cardiovascular phenotype. Last evaluated: 2019-01-09. Review status: criteria provided, single submitter. Criteria: Ambry Variant Classification Scheme 2023. Collection method: clinical testing. Allele origin: germline.

Eurofins Ntd Llc (ga)
Classification: Uncertain significance. Last evaluated: 2018-01-15. Review status: criteria provided, single submitter. Criteria: EGL Classification Definitions 2015. Collection method: clinical testing. Allele origin: germline. Observed: 5 variant alleles, 5 heterozygotes.

Centre for Mendelian Genomics, University Medical Centre Ljubljana
Classification: Uncertain significance for Dilated cardiomyopathy 3B. Last evaluated: 2016-01-01. Review status: criteria provided, single submitter. Criteria: ACMG Guidelines, 2015. Collection method: clinical testing. Allele origin: unknown. Affected: yes.
Comment: This variant was classified as: Uncertain significance. The following ACMG criteria were applied in classifying this variant: PP3. This variant was detected in hemizygous state.

Literature cited by the submitters: PubMed 23352160 (cited by 3 submitters); PubMed 30275481 (cited by Women's Health and Genetics/Laboratory Corporation of America, LabCorp); PubMed 30415094 (cited by 3 submitters); PubMed 26743743 (cited by Women's Health and Genetics/Laboratory Corporation of America, LabCorp and Athena Diagnostics); PubMed 32013268 (cited by Women's Health and Genetics/Laboratory Corporation of America, LabCorp); PubMed 26735901 (cited by Women's Health and Genetics/Laboratory Corporation of America, LabCorp); PubMed 26990548 (cited by Athena Diagnostics); PubMed 23871722 (cited by Athena Diagnostics).